The following is an entry in ClinVar:

NM_000465.4(BARD1):c.868G>T (p.Asp290Tyr)

Gene: BARD1 (BRCA1 associated RING domain 1; minus strand). Cytogenetic location: 2q35.
Variant type: single nucleotide variant.
Coding change: c.868G>T on transcript NM_000465.4 (MANE Select); coding-DNA position 868, G replaced by T.
Protein change: p.Asp290Tyr; replaces aspartic acid 290 with tyrosine.
Molecular consequence: missense variant. On other transcripts: non-coding transcript variant (2), intron variant (3).
Genome position (GRCh38, 1-based): chr2:214,781,006, C>A on the plus strand (G>T on the coding strand, the complement: BARD1 is on the minus strand). VCF-style: chr2-214781006-C-A. GRCh37 (hg19) VCF-style: chr2-215645730-C-A.
Other names: c.811G>T, p.Asp271Tyr (NM_001282543.2); c.158+28406G>T (NM_001282548.2); c.215+16055G>T (NM_001282545.2); c.364+11291G>T (NM_001282549.2); short protein forms D271Y, D290Y.
Identifiers: ClinVar variation 4724042 (VCV004724042.1).

ClinVar aggregate classification (germline): Uncertain significance (1 of 4 stars; one submission).

Conditions:
Familial cancer of breast. Also called: hereditary breast carcinoma; BREAST CANCER, FAMILIAL; Hereditary breast cancer. Identifiers: Orphanet 227535, MedGen C0346153, MONDO:0016419, OMIM 114480. Disease mechanism: loss of function.

Submission:

Labcorp Genetics (formerly Invitae), Labcorp
Classification: Uncertain significance for Familial cancer of breast. Last evaluated: 2025-07-27. Review status: criteria provided, single submitter. Criteria: Invitae Variant Classification Sherloc (09022015). Collection method: clinical testing. Allele origin: germline.
Comment: This sequence change replaces aspartic acid, which is acidic and polar, with tyrosine, which is neutral and polar, at codon 290 of the BARD1 protein (p.Asp290Tyr). This variant is not present in population databases (gnomAD no frequency). This variant has not been reported in the literature in individuals affected with BARD1-related conditions. An algorithm developed to predict the effect of missense changes on protein structure and function (PolyPhen-2) suggests that this variant is likely to be disruptive. In summary, the available evidence is currently insufficient to determine the role of this variant in disease. Therefore, it has been classified as a Variant of Uncertain Significance.